The following is an entry in ClinVar:

NM_002227.4(JAK1):c.1921A>G (p.Met641Val)

Genes: JAK1 (Janus kinase 1; minus strand), LOC126805749 (BRD4-independent group 4 enhancer GRCh37_chr1:65312286-65313485; plus strand). Cytogenetic location: 1p31.3.
Variant type: single nucleotide variant.
Coding change: c.1921A>G on transcript NM_002227.4 (MANE Select); coding-DNA position 1921, A replaced by G.
Protein change: p.Met641Val; replaces methionine 641 with valine.
Molecular consequence: missense variant.
Genome position (GRCh38, 1-based): chr1:64,846,715, T>C on the plus strand (A>G on the coding strand, the complement: JAK1 is on the minus strand). VCF-style: chr1-64846715-T-C. GRCh37 (hg19) VCF-style: chr1-65312398-T-C.
Other names: c.1921A>G, p.Met641Val (NM_001320923.2, NM_001321852.2, NM_001321853.2 and 3 more transcripts); c.1918A>G, p.Met640Val (NM_001321857.2); short protein forms M641V, M640V.
Identifiers: ClinVar variation 4764603 (VCV004764603.1).

ClinVar aggregate classification (germline): Uncertain significance (1 of 4 stars; one submission).

gnomAD v4.1: 9 of 1,614,116 alleles (0.00056%); highest among the groups gnomAD compares: Middle Eastern, 0.016%; no homozygotes.

Submission:

Labcorp Genetics (formerly Invitae), Labcorp
Classification: Uncertain significance. Last evaluated: 2025-04-20. Review status: criteria provided, single submitter. Criteria: Invitae Variant Classification Sherloc (09022015). Collection method: clinical testing. Allele origin: germline.
Comment: This sequence change replaces methionine, which is neutral and non-polar, with valine, which is neutral and non-polar, at codon 641 of the JAK1 protein (p.Met641Val). This variant is present in population databases (no rsID available, gnomAD 0.006%). This variant has not been reported in the literature in individuals affected with JAK1-related conditions. Invitae Evidence Modeling of protein sequence and biophysical properties (such as structural, functional, and spatial information, amino acid conservation, physicochemical variation, residue mobility, and thermodynamic stability) indicates that this missense variant is not expected to disrupt JAK1 protein function with a negative predictive value of 80%. In summary, the available evidence is currently insufficient to determine the role of this variant in disease. Therefore, it has been classified as a Variant of Uncertain Significance.